The following is an entry in ClinVar:

ClinVar aggregate classification (germline): Pathogenic (1 of 4 stars; one submission).

Conditions:
Autosomal dominant polycystic kidney disease. Identifiers: Orphanet 730, MedGen C0085413, MONDO:0004691.

Submission:

Molecular Genetics, Royal Melbourne Hospital
Classification: Pathogenic for Autosomal dominant polycystic kidney disease. Last evaluated: 2024-07-04. Review status: criteria provided, single submitter. Criteria: ACMG Guidelines, 2015. Collection method: clinical testing. Allele origin: germline. Inheritance: Autosomal dominant inheritance. Affected: yes.
Comment: This sequence change in PKD1 is a nonsense variant predicted to cause a premature stop codon, p.(Ser2022*), in biologically relevant exon 15/46 leading to nonsense-mediated decay in a gene in which loss-of-function is an established disease mechanism (PMID:20301424). This variant is absent from the population database gnomAD v4.1. To our knowledge, this variant is novel and has not been previously reported in the relevant scientific literature or databases. Based on the classification scheme RMH Modified ACMG/AMP Guidelines v1.6.1, this variant is classified as PATHOGENIC. Following criteria are met: PVS1, PM2_Supporting, PS4_Supporting

Literature cited by the submitters: PubMed 20301424.

NM_001009944.3(PKD1):c.6065C>A (p.Ser2022Ter)

Gene: PKD1 (polycystin 1, transient receptor potential channel interacting; minus strand). Cytogenetic location: 16p13.3.
Variant type: single nucleotide variant.
Coding change: c.6065C>A on transcript NM_001009944.3 (MANE Select); coding-DNA position 6065, C replaced by A.
Protein change: p.Ser2022Ter; replaces serine 2022 with a stop codon.
Molecular consequence: nonsense.
Genome position (GRCh38, 1-based): chr16:2,109,102, G>T on the plus strand (C>A on the coding strand, the complement: PKD1 is on the minus strand). VCF-style: chr16-2109102-G-T. GRCh37 (hg19) VCF-style: chr16-2159103-G-T.
Other names: c.6065C>A, p.Ser2022Ter (NM_000296.4); short protein forms S2022*.
Identifiers: ClinVar variation 3773761 (VCV003773761.1).